The following is an entry in ClinVar:

NM_024757.5(EHMT1):c.2642_2643del (p.Thr881fs)

Gene: EHMT1 (euchromatic histone lysine methyltransferase 1; plus strand). Cytogenetic location: 9q34.3.
Variant type: Microsatellite.
Coding change: c.2642_2643del on transcript NM_024757.5 (MANE Select); coding-DNA positions 2642 to 2643, 2 bases deleted (CA; older notation c.2642_2643delCA).
Protein change: p.Thr881fs; shifts the reading frame from threonine 881.
Molecular consequence: frameshift variant.
Genome position (GRCh38, 1-based): chr9:137,800,914-137,800,915, CA deleted; deleting any 2 consecutive bases within chr9:137,800,912-137,800,915 gives the same sequence; the c. name uses the placement nearest the transcript's 3' end. VCF-style (leftmost placement, unchanged base first): chr9-137800911-CCA-C. GRCh37 (hg19) VCF-style: chr9-140695363-CCA-C.
Other names: c.2621_2622del, p.Thr874fs (NM_001354263.2); short protein forms T881fs, T874fs.
Identifiers: ClinVar variation 4996548 (VCV004996548.1).

ClinVar aggregate classification (germline): Likely pathogenic (1 of 4 stars; one submission).

Conditions:
EHMT1-related disorder. Also called: EHMT1-related condition.

Submission:

PreventionGenetics, part of Exact Sciences
Classification: Likely pathogenic for EHMT1-related condition. Last evaluated: 2025-09-13. Review status: criteria provided, single submitter. Criteria: ACMG Guidelines, 2015. Collection method: clinical testing. Allele origin: germline.
Comment: The EHMT1 c.2642_2643delCA variant is predicted to result in a frameshift and premature protein termination (p.Thr881Argfs*17). To our knowledge, this variant has not been reported in the literature or in a large population database (gnomAD), indicating this variant is rare. Frameshift variants in EHMT1 are expected to be pathogenic. This variant is interpreted as likely pathogenic.